The following is an entry in ClinVar:

ClinVar aggregate classification (germline): Likely benign (1 of 4 stars; one submission).

gnomAD v4.1: 3 of 1,610,762 alleles (0.00019%); highest among the groups gnomAD compares: Non-Finnish European, 0.00025%; no homozygotes.

Submission:

CeGaT Center for Human Genetics Tuebingen
Classification: Likely benign. Last evaluated: 2025-07-01. Review status: criteria provided, single submitter. Criteria: CeGaT Center For Human Genetics Tuebingen Variant Classification Criteria Version 2. Collection method: clinical testing. Allele origin: germline. Affected: yes. Observed: 1 variant allele.
Comment: MAPK8IP3: BP4, BS2

NM_001318852.2(MAPK8IP3):c.2311T>C (p.Ser771Pro)

Gene: MAPK8IP3 (mitogen-activated protein kinase 8 interacting protein 3; plus strand). Cytogenetic location: 16p13.3.
Variant type: single nucleotide variant.
Coding change: c.2311T>C on transcript NM_001318852.2 (MANE Select); coding-DNA position 2311, T replaced by C.
Protein change: p.Ser771Pro; replaces serine 771 with proline.
Molecular consequence: missense variant.
Genome position (GRCh38, 1-based): chr16:1,765,043, T>C. VCF-style: chr16-1765043-T-C. GRCh37 (hg19) VCF-style: chr16-1815044-T-C.
Other names: c.2290T>C, p.Ser764Pro (NM_001040439.2); c.2308T>C, p.Ser770Pro (NM_015133.5); short protein forms S764P, S770P, S771P.
Identifiers: ClinVar variation 4085510 (VCV004085510.8).
Genomic context (GRCh38, chr16:1,765,043, plus strand): 5'-CTCTGACCTTGATCCCGTGCCCTGAAACAGGCCAAGGAGCTCCCTGAAATGGACGCCACC[T>C]CCAGCCGGGTGTGGATCCTGACCAGCACCCTGACCACCAGCAAGGTGGTGATCATCGACG-3'
Protein context (NP_001305781.1, residues 761-781): AKELPEMDAT[Ser771Pro]SRVWILTSTL